The following is an entry in ClinVar:

NM_007294.4(BRCA1):c.2880dup (p.Asn961fs)

Gene: BRCA1 (BRCA1 DNA repair associated; minus strand). Cytogenetic location: 17q21.31.
Variant type: Duplication.
Coding change: c.2880dup on transcript NM_007294.4 (MANE Select); coding-DNA position 2880, one base duplicated (C; older notation c.2880dupC).
Protein change: p.Asn961fs; shifts the reading frame from asparagine 961.
Molecular consequence: frameshift variant. On other transcripts: intron variant (137).
Genome position (GRCh38, 1-based): chr17:43,092,651, G duplicated on the plus strand (C on the coding strand, the reverse complement: BRCA1 is on the minus strand). VCF-style (leftmost placement, unchanged base first): chr17-43092650-T-TG. GRCh37 (hg19) VCF-style: chr17-41244667-T-TG.
Other names: c.2739dup, p.Asn914fs (NM_001407724.1, NM_001407725.1, NM_001407726.1 and 29 more transcripts); c.2736dup, p.Asn913fs (NM_001407740.1, NM_001407741.1, NM_001407742.1 and 20 more transcripts); c.2670dup, p.Asn891fs (NM_001407881.1, NM_001407882.1, NM_001407884.1 and 13 more transcripts); c.2667dup, p.Asn890fs (NM_001407894.1, NM_001407895.1, NM_001407896.1 and 9 more transcripts); c.2757dup, p.Asn920fs (NM_001407919.1, NM_001407937.1, NM_001407938.1 and 19 more transcripts); c.2616dup, p.Asn873fs (NM_001407920.1, NM_001407921.1, NM_001407922.1 and 9 more transcripts); c.2613dup, p.Asn872fs (NM_001407930.1, NM_001407931.1, NM_001407932.1 and 2 more transcripts); c.2754dup, p.Asn919fs (NM_001407940.1, NM_001407941.1, NM_001407688.1 and 11 more transcripts); and 41 more; short protein forms N665fs, N793fs, N833fs, N834fs, N849fs, N850fs, N872fs, N873fs.
Identifiers: ClinVar variation 3379245 (VCV003379245.1).

ClinVar aggregate classification (germline): Pathogenic (1 of 4 stars; one submission).

Conditions:
Breast-ovarian cancer, familial, susceptibility to, 1 (BROVCA1). Also called: BRCA1 Hereditary Breast and Ovarian Cancer; OVARIAN CANCER, SUSCEPTIBILITY TO. Identifiers: Orphanet 145, MedGen C2676676, MONDO:0011450, OMIM 604370. Disease mechanism: loss of function.

Submission:

Myriad Genetics, Inc.
Classification: Pathogenic for Breast-ovarian cancer, familial, susceptibility to, 1. Last evaluated: 2024-07-18. Review status: criteria provided, single submitter. Criteria: Myriad Autosomal Dominant, Autosomal Recessive and X-Linked Classification Criteria (2023). Collection method: clinical testing. Allele origin: unknown.
Comment: This variant is considered pathogenic. This variant creates a frameshift predicted to result in premature protein truncation.